The following is an entry in ClinVar:

ClinVar aggregate classification (germline): Uncertain significance (1 of 4 stars; one submission).

Conditions:
Myopathy, tubular aggregate, 2 (TAM2). Identifiers: MedGen C4014557, MONDO:0014383, OMIM 615883.
Combined immunodeficiency due to ORAI1 deficiency. Also called: IMMUNODEFICIENCY 9. Identifiers: Orphanet 169090, Orphanet 317428, MedGen C2748568, MONDO:0013007, OMIM 612782.

Allele frequency attached by ClinVar (database versions not stated): ExAC 0.00001.

Submission:

Labcorp Genetics (formerly Invitae), Labcorp
Classification: Uncertain significance for Myopathy, tubular aggregate, 2; Combined immunodeficiency due to ORAI1 deficiency. Last evaluated: 2023-05-05. Review status: criteria provided, single submitter. Criteria: Invitae Variant Classification Sherloc (09022015). Collection method: clinical testing. Allele origin: germline.
Comment: This sequence change replaces arginine, which is basic and polar, with serine, which is neutral and polar, at codon 259 of the ORAI1 protein (p.Arg259Ser). In summary, the available evidence is currently insufficient to determine the role of this variant in disease. Therefore, it has been classified as a Variant of Uncertain Significance. Experimental studies and prediction algorithms are not available or were not evaluated, and the functional significance of this variant is currently unknown. This variant has not been reported in the literature in individuals affected with ORAI1-related conditions. The frequency data for this variant in the population databases is considered unreliable, as metrics indicate poor data quality at this position in the gnomAD database.

NM_032790.4(ORAI1):c.775C>A (p.Arg259Ser)

Gene: ORAI1 (ORAI calcium release-activated calcium modulator 1; plus strand). Cytogenetic location: 12q24.31.
Variant type: single nucleotide variant.
Coding change: c.775C>A on transcript NM_032790.4 (MANE Select); coding-DNA position 775, C replaced by A.
Protein change: p.Arg259Ser; replaces arginine 259 with serine.
Molecular consequence: missense variant. On other transcripts: non-coding transcript variant (1).
Genome position (GRCh38, 1-based): chr12:121,641,512, C>A. VCF-style: chr12-121641512-C-A. GRCh37 (hg19) VCF-style: chr12-122079418-C-A.
Other names: short protein forms R259S.
Identifiers: ClinVar variation 2926928 (VCV002926928.3), dbSNP rs782717492, ClinGen allele CA6837564.